The following is an entry in ClinVar:

ClinVar aggregate classification (germline): Conflicting classifications of pathogenicity. Review status: criteria provided, conflicting classifications (1 of 4 stars). 7 submissions from 7 submitters: Uncertain significance (3); Likely benign (4). Last evaluated 2026-10-12.

Conditions:
Inborn genetic diseases. Identifiers: MedGen C0950123, MeSH D030342.
Anophthalmia-microphthalmia syndrome. Also called: Anophthalmia - microphthalmia; Anophthalmia/Microphthalmia. Identifiers: Orphanet 98555, MedGen C5680330, MONDO:0020147.
Syndromic microphthalmia type 5 (MCOPS5). Also called: RETINAL DYSTROPHY, EARLY-ONSET, WITH PITUITARY DYSFUNCTION; RETINAL DYSTROPHY, EARLY-ONSET, WITHOUT PITUITARY DYSFUNCTION. Identifiers: Orphanet 178364, MedGen C1864690, MONDO:0012413, OMIM 610125.
Pituitary hormone deficiency, combined, 6. Identifiers: MedGen C3151440, MONDO:0013518, OMIM 613986.
Congenital hypothyroidism. Identifiers: Orphanet 442, MedGen C0010308, MONDO:0018612, HP:0000851.

Allele frequency attached by ClinVar (database versions not stated): gnomAD 0.00013; ExAC 0.00030; gnomAD exomes 0.00025; ESP Exome Variant Server 0.00015; TOPMed 0.00017.
gnomAD v4.1: 615 of 1,614,052 alleles (0.038%); highest among the groups gnomAD compares: Non-Finnish European, 0.049%; no homozygotes.

Submissions (7):

Cambridge Genomics Laboratory, East Genomic Laboratory Hub, NHS Genomic Medicine Service
Classification: Uncertain significance for Congenital hypothyroidism. Last evaluated: 2026-10-12. Review status: criteria provided, single submitter. Criteria: ACGS Best Practice Guidelines for Variant Classification in Rare Disease 2020. Collection method: clinical testing. Allele origin: germline. Affected: yes.
Comment: PP2,BP4

Labcorp Genetics (formerly Invitae), Labcorp
Classification: Uncertain significance for Anophthalmia-microphthalmia syndrome. Last evaluated: 2025-12-29. Review status: criteria provided, single submitter. Criteria: Invitae Variant Classification Sherloc (09022015). Collection method: clinical testing. Allele origin: germline.
Comment: This sequence change replaces threonine, which is neutral and polar, with asparagine, which is neutral and polar, at codon 206 of the OTX2 protein (p.Thr206Asn). This variant is present in population databases (rs150982073, gnomAD 0.05%), and has an allele count higher than expected for a pathogenic variant. This variant has not been reported in the literature in individuals affected with OTX2-related conditions. ClinVar contains an entry for this variant (Variation ID: 288894). An algorithm developed to predict the effect of missense changes on protein structure and function (PolyPhen-2) suggests that this variant is likely to be tolerated. In summary, the available evidence is currently insufficient to determine the role of this variant in disease. Therefore, it has been classified as a Variant of Uncertain Significance.

Blueprint Genetics
Classification: Likely benign. Last evaluated: 2024-10-17. Review status: criteria provided, single submitter. Criteria: ACMG Guidelines, 2015. Collection method: clinical testing. Allele origin: germline.

Ambry Genetics
Classification: Likely benign for Inborn genetic diseases. Last evaluated: 2023-01-10. Review status: criteria provided, single submitter. Criteria: Ambry Variant Classification Scheme 2023. Collection method: clinical testing. Allele origin: germline.

Mendelics
Classification: Likely benign for Syndromic microphthalmia type 5. Last evaluated: 2019-05-28. Review status: criteria provided, single submitter. Criteria: Mendelics Assertion Criteria 2017. Collection method: clinical testing. Allele origin: unknown.

Illumina Laboratory Services, Illumina
Classification: Likely benign for Pituitary hormone deficiency, combined, 6. Last evaluated: 2018-01-13. Review status: criteria provided, single submitter. Criteria: ICSL Variant Classification Criteria 13 December 2019. Collection method: clinical testing. Allele origin: germline.
Comment: This variant was observed in the ICSL laboratory as part of a predisposition screen in an ostensibly healthy population. It had not been previously curated by ICSL or reported in the Human Gene Mutation Database (HGMD: prior to June 1st, 2018), and was therefore a candidate for classification through an automated scoring system. Utilizing variant allele frequency, disease prevalence and penetrance estimates, and inheritance mode, an automated score was calculated to assess if this variant is too frequent to cause the disease. Based on the score and internal cut-off values, a variant classified as likely benign is not then subjected to further curation. The score for this variant resulted in a classification of likely benign for this disease.

Eurofins Ntd Llc (ga)
Classification: Uncertain significance. Last evaluated: 2016-07-07. Review status: criteria provided, single submitter. Criteria: EGL Classification Definitions 2015. Collection method: clinical testing. Allele origin: germline. Observed: 1 variant allele, 1 heterozygote.

NM_021728.4(OTX2):c.641C>A (p.Thr214Asn)

Gene: OTX2 (orthodenticle homeobox 2; minus strand). Cytogenetic location: 14q22.3.
Variant type: single nucleotide variant.
Coding change: c.641C>A on transcript NM_021728.4 (MANE Select); coding-DNA position 641, C replaced by A.
Protein change: p.Thr214Asn; replaces threonine 214 with asparagine.
Molecular consequence: missense variant. On other transcripts: non-coding transcript variant (2).
Genome position (GRCh38, 1-based): chr14:56,801,988, G>T on the plus strand (C>A on the coding strand, the complement: OTX2 is on the minus strand). VCF-style: chr14-56801988-G-T. GRCh37 (hg19) VCF-style: chr14-57268706-G-T.
Other names: c.617C>A, p.Thr206Asn (NM_001270523.2, NM_001270524.2, NM_172337.3); c.641C>A, p.Thr214Asn (NM_001270525.2); c.617C>A (NM_172337.1); short protein forms T206N, T214N.
Identifiers: ClinVar variation 288894 (VCV000288894.21), dbSNP rs150982073, ClinGen allele CA7200447.